The following is an entry in ClinVar:

ClinVar aggregate classification (germline): Uncertain significance (1 of 4 stars; one submission).

Submission:

Dasa
Classification: Uncertain significance. Last evaluated: 2026-05-27. Review status: criteria provided, single submitter. Criteria: DASA Assertion Criteria. Collection method: clinical testing. Allele origin: germline.
Comment: NM_001982.4(ERBB3):c.3988C>T (p.His1330Tyr) is a missense variant that results in the substitution of histidine with tyrosine. This variant is rare in population databases. Computational prediction algorithms are consistent with a deleterious effect. The currently available literature and clinical evidence are not sufficient to establish a definitive association between this variant and the reported condition. Therefore, this variant is classified as a variant of uncertain significance.

NM_001982.4(ERBB3):c.3988C>T (p.His1330Tyr)

Gene: ERBB3 (erb-b2 receptor tyrosine kinase 3; plus strand). Cytogenetic location: 12q13.2.
Variant type: single nucleotide variant.
Coding change: c.3988C>T on transcript NM_001982.4 (MANE Select); coding-DNA position 3988, C replaced by T.
Protein change: p.His1330Tyr; replaces histidine 1330 with tyrosine.
Molecular consequence: missense variant.
Genome position (GRCh38, 1-based): chr12:56,102,014, C>T. VCF-style: chr12-56102014-C-T. GRCh37 (hg19) VCF-style: chr12-56495798-C-T.
Other names: short protein forms H1330Y.
Identifiers: ClinVar variation 5020474 (VCV005020474.1).
Genomic context (GRCh38, chr12:56,102,014, plus strand): 5'-CTAAAAACTCTACGTAGCTTAGAGGCTACAGACTCTGCCTTTGATAACCCTGATTACTGG[C>T]ATAGCAGGCTTTTCCCCAAGGCTAATGCCCAGAGAACGTAACTCCTGCTCCCTGTGGCAC-3'
Protein context (NP_001973.2, residues 1320-1340): DSAFDNPDYW[His1330Tyr]SRLFPKANAQ